The following is an entry in ClinVar:

ClinVar aggregate classification (germline): Likely benign (1 of 4 stars; one submission).

gnomAD v4.1: 179 of 1,613,428 alleles (0.011%); highest among the groups gnomAD compares: Admixed American, 0.27%; no homozygotes.

Submissions (2):

CeGaT Center for Human Genetics Tuebingen
Classification: Likely benign. Last evaluated: 2026-04-01. Review status: criteria provided, single submitter. Criteria: CeGaT Center For Human Genetics Tuebingen Variant Classification Criteria Version 2. Collection method: clinical testing. Allele origin: germline. Affected: yes. Observed: 1 variant allele.
Comment: ARVCF: BP4, BP7

Dr. Peter K. Rogan Lab, Western University
No classification provided (evidence only). Condition: Clear cell carcinoma of kidney. Review status: no classification provided. Collection method: in vitro. Allele origin: not applicable. Functional consequence: retained intron. Not counted in ClinVar's aggregate classification.

NM_001670.3(ARVCF):c.2646C>T (p.Gly882=)

Gene: ARVCF (ARVCF delta catenin family member; minus strand). Cytogenetic location: 22q11.21.
Variant type: single nucleotide variant.
Coding change: c.2646C>T on transcript NM_001670.3 (MANE Select); coding-DNA position 2646, C replaced by T.
Protein change: p.Gly882=; no amino-acid change (glycine 882 retained).
Molecular consequence: synonymous variant.
Genome position (GRCh38, 1-based): chr22:19,972,407, G>A on the plus strand (C>T on the coding strand, the complement: ARVCF is on the minus strand). VCF-style: chr22-19972407-G-A. GRCh37 (hg19) VCF-style: chr22-19959930-G-A.
Other names: NC_000022.10:g.19959930G>A; c.2439C>T, p.Gly813= (NM_001410839.1, NM_001438683.1, NM_001438694.1); c.2628C>T, p.Gly876= (NM_001438684.1, NM_001438690.1); c.2613C>T, p.Gly871= (NM_001438685.1, NM_001438693.1); c.2646C>T, p.Gly882= (NM_001438687.1).
Identifiers: ClinVar variation 4456041 (VCV004456041.3).